The following is an entry in ClinVar:

NM_000540.3(RYR1):c.8541+37T>G

Genes: RYR1 (ryanodine receptor 1; plus strand), LOC126862902 (BRD4-independent group 4 enhancer GRCh37_chr19:38995830-38997029; plus strand). Cytogenetic location: 19q13.2.
Variant type: single nucleotide variant.
Coding change: c.8541+37T>G on transcript NM_000540.3 (MANE Select); 37 bases into the intron after coding-DNA position 8541, T replaced by G.
Molecular consequence: intron variant.
Genome position (GRCh38, 1-based): chr19:38,505,983, T>G. VCF-style: chr19-38505983-T-G. GRCh37 (hg19) VCF-style: chr19-38996623-T-G.
Other names: c.8541+37T>G (NM_001042723.2).
Identifiers: ClinVar variation 133228 (VCV000133228.6), dbSNP rs2960343, ClinGen allele CA024929.

ClinVar aggregate classification (germline): Benign. Review status: criteria provided, multiple submitters, no conflicts (2 of 4 stars). 7 submissions from 5 submitters: Benign (6). 1 of the submissions does not count toward it. Last evaluated 2021-11-07.

Conditions:
King Denborough syndrome (KDS). Identifiers: MedGen C1840365, MONDO:0020485, OMIM 619542.
Congenital multicore myopathy with external ophthalmoplegia (CMYO1B). Also called: Minicore myopathy with external ophthalmoplegia; MULTIMINICORE DISEASE WITH EXTERNAL OPHTHALMOPLEGIA; Congenital myopathy 1B, autosomal recessive; Minicore myopathy; MULTICORE MYOPATHY. Identifiers: Orphanet 598, Orphanet 98905, MedGen C1850674, MONDO:0009712, OMIM 255320, HP:0003789.
Central core myopathy (CMYO1A). Also called: CONGENITAL MYOPATHY 1A, AUTOSOMAL DOMINANT, WITH SUSCEPTIBILITY TO MALIGNANT HYPERTHERMIA; Central core disease; Myopathy, central fibrillar. Identifiers: Orphanet 597, MedGen C5830701, MONDO:0007294, OMIM 117000.

Allele frequency attached by ClinVar (database versions not stated): ESP Exome Variant Server 0.25740; gnomAD 0.31600; TOPMed 0.33300; 1000 Genomes Project 30x 0.40178; 1000 Genomes Project 0.40575.
gnomAD v4.1: 413,385 of 1,536,592 alleles (27%); highest among the groups gnomAD compares: South Asian, 44%; 64,374 homozygotes.

Submissions (7):

Genome-Nilou Lab
Classification: Benign for Central core myopathy. Last evaluated: 2021-11-07. Review status: criteria provided, single submitter. Criteria: ACMG Guidelines, 2015. Collection method: clinical testing. Allele origin: germline. Affected: no.

Genome-Nilou Lab
Classification: Benign for King Denborough syndrome. Last evaluated: 2021-11-07. Review status: criteria provided, single submitter. Criteria: ACMG Guidelines, 2015. Collection method: clinical testing. Allele origin: germline. Affected: no.

Genome-Nilou Lab
Classification: Benign for Congenital multicore myopathy with external ophthalmoplegia. Last evaluated: 2021-11-07. Review status: criteria provided, single submitter. Criteria: ACMG Guidelines, 2015. Collection method: clinical testing. Allele origin: germline. Affected: no.

GeneDx
Classification: Benign. Last evaluated: 2018-06-14. Review status: criteria provided, single submitter. Criteria: GeneDx Variant Classification (06012015). Collection method: clinical testing. Allele origin: germline. Affected: yes.
Comment: This variant is considered likely benign or benign based on one or more of the following criteria: it is a conservative change, it occurs at a poorly conserved position in the protein, it is predicted to be benign by multiple in silico algorithms, and/or has population frequency not consistent with disease.

PreventionGenetics, part of Exact Sciences
Classification: Benign. Last evaluated: 2013-10-25. Review status: criteria provided, single submitter. Criteria: ACMG Guidelines, 2015. Collection method: clinical testing. Allele origin: germline.

Breakthrough Genomics
Classification: Benign. Review status: criteria provided, single submitter. Criteria: ACMG Guidelines, 2015. Collection method: not provided. Allele origin: germline. Inheritance: Autosomal recessive inheritance. Affected: yes.

RYR1 database
No classification provided. Review status: no classification provided. Collection method: not provided. Allele origin: unknown. Not counted in ClinVar's aggregate classification.